The following is an entry in ClinVar:

NM_004360.5(CDH1):c.1340_1346del (p.Lys447fs)

Gene: CDH1 (cadherin 1; plus strand). Cytogenetic location: 16q22.1.
Variant type: Deletion.
Coding change: c.1340_1346del on transcript NM_004360.5 (MANE Select); coding-DNA positions 1340 to 1346, 7 bases deleted (AGCAGCA; older notation c.1340_1346delAGCAGCA).
Protein change: p.Lys447fs; shifts the reading frame from lysine 447.
Molecular consequence: frameshift variant. On other transcripts: 5 prime UTR variant (2).
Genome position (GRCh38, 1-based): chr16:68,815,534-68,815,540, AGCAGCA deleted; deleting any 7 consecutive bases within chr16:68,815,532-68,815,540 gives the same sequence; the c. name uses the placement nearest the transcript's 3' end. VCF-style (leftmost placement, unchanged base first): chr16-68815531-CCAAGCAG-C. GRCh37 (hg19) VCF-style: chr16-68849434-CCAAGCAG-C.
Other names: c.1157_1163del, p.Lys386fs (NM_001317184.2); c.-209_-203del (NM_001317185.2); c.-480_-474del (NM_001317186.2); short protein forms K386fs, K447fs.
Identifiers: ClinVar variation 2674580 (VCV002674580.2), dbSNP rs2543930246, ClinGen allele CA2695197673.

ClinVar aggregate classification (germline): Pathogenic. Review status: criteria provided, multiple submitters, no conflicts (2 of 4 stars). 2 submissions from 2 submitters: Pathogenic (2). Last evaluated 2026-06-30.

Conditions:
Hereditary diffuse gastric adenocarcinoma (HDGC). Also called: DIFFUSE GASTRIC AND LOBULAR BREAST CANCER SYNDROME. Identifiers: Orphanet 26106, MedGen C1708349, MONDO:0007648, OMIM 137215.
Hereditary cancer-predisposing syndrome. Also called: Hereditary neoplastic syndrome; Hereditary Cancer Syndrome; Neoplastic Syndromes, Hereditary; Tumor predisposition. Identifiers: Orphanet 140162, MedGen C0027672, MeSH D009386, MONDO:0015356.

Submissions (2):

Ambry Genetics
Classification: Pathogenic for Hereditary cancer-predisposing syndrome. Last evaluated: 2026-06-30. Review status: criteria provided, single submitter. Criteria: Ambry Variant Classification Scheme 2023. Collection method: clinical testing. Allele origin: germline.
Comment: The c.1340_1346delAGCAGCA pathogenic mutation, located in coding exon 10 of the CDH1 gene, results from a deletion of 7 nucleotides at nucleotide positions 1340 to 1346, causing a translational frameshift with a predicted alternate stop codon (p.K447Sfs*6). This variant is considered to be rare based on population cohorts in the Genome Aggregation Database (gnomAD). This alteration is expected to result in loss of function by premature protein truncation or nonsense-mediated mRNA decay. As such, this alteration is interpreted as a disease-causing mutation.

Myriad Genetics, Inc.
Classification: Pathogenic for Hereditary diffuse gastric adenocarcinoma. Last evaluated: 2023-09-07. Review status: criteria provided, single submitter. Criteria: Myriad Autosomal Dominant, Autosomal Recessive and X-Linked Classification Criteria (2023). Collection method: clinical testing. Allele origin: unknown.
Comment: This variant is considered pathogenic. This variant creates a frameshift predicted to result in premature protein truncation.